The following is an entry in ClinVar:

ClinVar aggregate classification (germline): Pathogenic (1 of 4 stars; one submission).

Conditions:
Bethlem myopathy 1A. Also called: Bethlem myopathy 1; MYOPATHY, BENIGN CONGENITAL, WITH CONTRACTURES; Bethlem Muscular Dystrophy. Identifiers: Orphanet 610, MedGen CN029274, MONDO:0024530, OMIM 158810.

Submission:

Labcorp Genetics (formerly Invitae), Labcorp
Classification: Pathogenic for Bethlem myopathy 1A. Last evaluated: 2024-06-28. Review status: criteria provided, single submitter. Criteria: Invitae Variant Classification Sherloc (09022015). Collection method: clinical testing. Allele origin: germline.
Comment: This sequence change creates a premature translational stop signal (p.Gly2140*) in the COL6A3 gene. It is expected to result in an absent or disrupted protein product. Loss-of-function variants in COL6A3 are known to be pathogenic (PMID: 26004199). This variant is not present in population databases (gnomAD no frequency). This variant has not been reported in the literature in individuals affected with COL6A3-related conditions. For these reasons, this variant has been classified as Pathogenic.

Literature cited by the submitters: PubMed 26004199.

NM_004369.4(COL6A3):c.6418G>T (p.Gly2140Ter)

Gene: COL6A3 (collagen type VI alpha 3 chain; minus strand). Cytogenetic location: 2q37.3.
Variant type: single nucleotide variant.
Coding change: c.6418G>T on transcript NM_004369.4 (MANE Select); coding-DNA position 6418, G replaced by T.
Protein change: p.Gly2140Ter; replaces glycine 2140 with a stop codon.
Molecular consequence: nonsense.
Genome position (GRCh38, 1-based): chr2:237,358,574, C>A on the plus strand (G>T on the coding strand, the complement: COL6A3 is on the minus strand). VCF-style: chr2-237358574-C-A. GRCh37 (hg19) VCF-style: chr2-238267217-C-A.
Other names: c.4597G>T, p.Gly1533Ter (NM_057166.5); c.5800G>T, p.Gly1934Ter (NM_057167.4); short protein forms G2140*, G1533*, G1934*.
Identifiers: ClinVar variation 3652539 (VCV003652539.2).